The following is an entry in ClinVar:

NM_001040108.2(MLH3):c.1163G>A (p.Ser388Asn)

Gene: MLH3 (mutL homolog 3; minus strand). Cytogenetic location: 14q24.3.
Variant type: single nucleotide variant.
Coding change: c.1163G>A on transcript NM_001040108.2 (MANE Select); coding-DNA position 1163, G replaced by A.
Protein change: p.Ser388Asn; replaces serine 388 with asparagine.
Molecular consequence: missense variant.
Genome position (GRCh38, 1-based): chr14:75,048,493, C>T on the plus strand (G>A on the coding strand, the complement: MLH3 is on the minus strand). VCF-style: chr14-75048493-C-T. GRCh37 (hg19) VCF-style: chr14-75515196-C-T.
Other names: c.1163G>A, p.Ser388Asn (NM_014381.3); short protein forms S388N.
Identifiers: ClinVar variation 2497085 (VCV002497085.2), dbSNP rs772968203, ClinGen allele CA7275910.
Genomic context (GRCh38, chr14:75,048,493, plus strand): 5'-GACTGCAAATTAAACATCTCATAGGAATCTAAAATATTATTACATGCTTCCTGGAAATTG[C>T]TCCTCTCATCGGAAGTCACACGCTTCTGAAGAGTAGCATCAAATAAACTAAAACCATTAT-3'
Protein context (NP_001035197.1, residues 378-398): LQKRVTSDER[Ser388Asn]NFQEACNNIL

ClinVar aggregate classification (germline): Uncertain significance (1 of 4 stars; one submission).

Allele frequency attached by ClinVar (database versions not stated): gnomAD exomes below 0.00001; ExAC 0.00001.
gnomAD v4.1: 1 of 1,613,108 alleles (0.000062%); highest among the groups gnomAD compares: South Asian, 0.0011%; no homozygotes.

Submission:

Ambry Genetics
Classification: Uncertain significance. Last evaluated: 2023-02-04. Review status: criteria provided, single submitter. Criteria: Ambry Variant Classification Scheme 2023. Collection method: clinical testing. Allele origin: germline.
Comment: The p.S388N variant (also known as c.1163G>A), located in coding exon 1 of the MLH3 gene, results from a G to A substitution at nucleotide position 1163. The serine at codon 388 is replaced by asparagine, an amino acid with highly similar properties. This amino acid position is conserved. In addition, this alteration is predicted to be tolerated by in silico analysis. Since supporting evidence is limited at this time, the clinical significance of this alteration remains unclear.